The following is an entry in ClinVar:

NM_000264.5(PTCH1):c.947C>T (p.Pro316Leu)

Gene: PTCH1 (patched 1; minus strand). Cytogenetic location: 9q22.32.
Variant type: single nucleotide variant.
Coding change: c.947C>T on transcript NM_000264.5 (MANE Select); coding-DNA position 947, C replaced by T.
Protein change: p.Pro316Leu; replaces proline 316 with leucine.
Molecular consequence: missense variant. On other transcripts: non-coding transcript variant (1).
Genome position (GRCh38, 1-based): chr9:95,480,089, G>A on the plus strand (C>T on the coding strand, the complement: PTCH1 is on the minus strand). VCF-style: chr9-95480089-G-A. GRCh37 (hg19) VCF-style: chr9-98242371-G-A.
Other names: c.749C>T, p.Pro250Leu (NM_001083602.3); c.944C>T, p.Pro315Leu (NM_001083603.3); c.494C>T, p.Pro165Leu (NM_001083604.3, NM_001083605.3, NM_001083606.3 and 1 more transcripts); c.947C>T, p.Pro316Leu (NM_001354918.2); short protein forms P165L, P250L, P315L, P316L.
Identifiers: ClinVar variation 970908 (VCV000970908.9), dbSNP rs143813198, ClinGen allele CA374119836.

ClinVar aggregate classification (germline): Uncertain significance (1 of 4 stars; one submission).

Conditions:
Gorlin syndrome. Also called: Nevoid Basal Cell Carcinoma Syndrome; Basal cell nevus syndrome. Identifiers: Orphanet 377, MedGen C0004779, MONDO:0007187.

gnomAD v4.1: 3 of 1,613,940 alleles (0.00019%); highest among the groups gnomAD compares: Non-Finnish European, 0.00017%; no homozygotes.

Submission:

Labcorp Genetics (formerly Invitae), Labcorp
Classification: Uncertain significance for Gorlin syndrome. Last evaluated: 2019-10-26. Review status: criteria provided, single submitter. Criteria: Invitae Variant Classification Sherloc (09022015). Collection method: clinical testing. Allele origin: germline.
Comment: In summary, the available evidence is currently insufficient to determine the role of this variant in disease. Therefore, it has been classified as a Variant of Uncertain Significance. Algorithms developed to predict the effect of missense changes on protein structure and function are either unavailable or do not agree on the potential impact of this missense change (SIFT: "Deleterious"; PolyPhen-2: "Benign"; Align-GVGD: "Class C65"). This variant has not been reported in the literature in individuals with PTCH1-related conditions. This variant is not present in population databases (ExAC no frequency). This sequence change replaces proline with leucine at codon 316 of the PTCH1 protein (p.Pro316Leu). The proline residue is highly conserved and there is a moderate physicochemical difference between proline and leucine.